The following is an entry in ClinVar:

ClinVar aggregate classification (germline): Benign/Likely benign. Review status: criteria provided, multiple submitters, no conflicts (2 of 4 stars). 9 submissions from 9 submitters: Benign (5); Likely benign (2). 2 of the submissions do not count toward it. Last evaluated 2026-09-01.

Conditions:
PCDH15-related disorder. Also called: PCDH15-related disorders; PCDH15-related condition.
Usher syndrome type 1 (USH1). Also called: RETINITIS PIGMENTOSA AND CONGENITAL DEAFNESS. Identifiers: Orphanet 231169, Orphanet 886, MedGen C1568247, MONDO:0010168, OMIM 276900.
Usher syndrome type 1F (USH1F). Also called: USHER SYNDROME, TYPE IF. Identifiers: Orphanet 231169, Orphanet 886, MedGen C1865885, MONDO:0011186, OMIM 602083.

Allele frequency attached by ClinVar (database versions not stated): gnomAD 0.00061 and 0.00064; TOPMed 0.00161; ESP Exome Variant Server 0.00023; 1000 Genomes Project 30x 0.00094; 1000 Genomes Project 0.00100; ExAC 0.00222.
gnomAD v4.1: 878 of 1,613,180 alleles (0.054%); highest among the groups gnomAD compares: Admixed American, 1.3%; 13 homozygotes.

Submissions (9):

CeGaT Center for Human Genetics Tuebingen
Classification: Benign. Last evaluated: 2026-09-01. Review status: criteria provided, single submitter. Criteria: CeGaT Center For Human Genetics Tuebingen Variant Classification Criteria Version 2. Collection method: clinical testing. Allele origin: germline. Affected: yes. Observed: 2 variant alleles.
Comment: PCDH15: BS1, BS2

Labcorp Genetics (formerly Invitae), Labcorp
Classification: Benign. Last evaluated: 2026-02-01. Review status: criteria provided, single submitter. Criteria: Invitae Variant Classification Sherloc (09022015). Collection method: clinical testing. Allele origin: germline.

Athena Diagnostics
Classification: Benign. Last evaluated: 2018-12-05. Review status: criteria provided, single submitter. Criteria: Athena Diagnostics Criteria. Collection method: clinical testing. Allele origin: germline.

GeneDx
Classification: Benign. Last evaluated: 2018-10-26. Review status: criteria provided, single submitter. Criteria: GeneDx Variant Classification Process June 2021. Collection method: clinical testing. Allele origin: germline. Affected: yes.

Illumina Laboratory Services, Illumina
Classification: Likely benign for Usher syndrome type 1. Last evaluated: 2018-01-13. Review status: criteria provided, single submitter. Criteria: ICSL Variant Classification Criteria 13 December 2019. Collection method: clinical testing. Allele origin: germline.
Comment: This variant was observed in the ICSL laboratory as part of a predisposition screen in an ostensibly healthy population. It had not been previously curated by ICSL or reported in the Human Gene Mutation Database (HGMD: prior to June 1st, 2018), and was therefore a candidate for classification through an automated scoring system. Utilizing variant allele frequency, disease prevalence and penetrance estimates, and inheritance mode, an automated score was calculated to assess if this variant is too frequent to cause the disease. Based on the score and internal cut-off values, a variant classified as likely benign is not then subjected to further curation. The score for this variant resulted in a classification of likely benign for this disease.

Laboratory for Molecular Medicine, Mass General Brigham Personalized Medicine
Classification: Benign. Last evaluated: 2016-02-04. Review status: criteria provided, single submitter. Criteria: LMM Criteria. Collection method: clinical testing. Allele origin: germline. Observed: 10 variant alleles.
Comment: p.Ala1445Gly in exon 32 of PCDH15: This variant is not expected to have clinical significance because it has been identified in 2.3% (261/11556) of Latino chrom osomes by the Exome Aggregation Consortium (ExAC ; dbSNP rs146745502).

Breakthrough Genomics
Classification: Likely benign. Review status: criteria provided, single submitter. Criteria: ACMG Guidelines, 2015. Collection method: not provided. Allele origin: germline. Inheritance: Autosomal recessive inheritance. Affected: yes.

Natera, Inc.
Classification: Benign for Usher syndrome type 1F. Last evaluated: 2020-09-16. Review status: no assertion criteria provided. Collection method: clinical testing. Allele origin: germline. Not counted in ClinVar's aggregate classification.

PreventionGenetics, part of Exact Sciences
Classification: Benign for PCDH15-related condition. Last evaluated: 2019-07-18. Review status: no assertion criteria provided. Collection method: clinical testing. Allele origin: germline. Not counted in ClinVar's aggregate classification.
Comment: This variant is classified as benign based on ACMG/AMP sequence variant interpretation guidelines (Richards et al. 2015 PMID: 25741868, with internal and published modifications).

NM_001384140.1(PCDH15):c.4334C>G (p.Ala1445Gly)

Gene: PCDH15 (protocadherin related 15; minus strand). Cytogenetic location: 10q21.1.
Variant type: single nucleotide variant.
Coding change: c.4334C>G on transcript NM_001384140.1 (MANE Select); coding-DNA position 4334, C replaced by G.
Protein change: p.Ala1445Gly; replaces alanine 1445 with glycine.
Molecular consequence: missense variant.
Genome position (GRCh38, 1-based): chr10:53,827,426, G>C on the plus strand (C>G on the coding strand, the complement: PCDH15 is on the minus strand). VCF-style: chr10-53827426-G-C. GRCh37 (hg19) VCF-style: chr10-55587186-G-C.
Other names: c.4349C>G, p.Ala1450Gly (NM_001142763.2, NM_001142771.2); c.4334C>G, p.Ala1445Gly (NM_001142764.2, NM_001142770.3, NM_001142772.2 and 3 more transcripts); c.4121C>G, p.Ala1374Gly (NM_001142765.2); c.4325C>G, p.Ala1442Gly (NM_001142766.2); c.4214C>G, p.Ala1405Gly (NM_001142767.2); c.4268C>G, p.Ala1423Gly (NM_001142768.2, NM_001354404.2); c.4370C>G, p.Ala1457Gly (NM_001142769.4); c.4259C>G, p.Ala1420Gly (NM_001142773.2); and 1 more; short protein forms A1445G, A1374G, A1420G, A1405G, A1423G, A1442G, A1457G, A1450G.
Identifiers: ClinVar variation 46480 (VCV000046480.29), dbSNP rs146745502, ClinGen allele CA138434.